The following is an entry in ClinVar:

ClinVar aggregate classification (germline): Uncertain significance. Review status: criteria provided, multiple submitters, no conflicts (2 of 4 stars). 2 submissions from 2 submitters: Uncertain significance (2). Last evaluated 2022-10-24.

Conditions:
Inborn genetic diseases. Identifiers: MedGen C0950123, MeSH D030342.
Leukocyte adhesion deficiency 1 (LAD1). Also called: LEUKOCYTE ADHESION DEFICIENCY, TYPE I; LAD 1; Lymphocyte function-associated antigen 1 immunodeficiency; LFA 1 immunodeficiency. Identifiers: Orphanet 2968, Orphanet 99842, MedGen C0398738, MONDO:0007293, OMIM 116920.

Allele frequency attached by ClinVar (database versions not stated): gnomAD exomes below 0.00001; gnomAD 0.00001.
gnomAD v4.1: 2 of 1,614,006 alleles (0.00012%); highest among the groups gnomAD compares: African/African-American, 0.0027%; no homozygotes.

Submissions (2):

Labcorp Genetics (formerly Invitae), Labcorp
Classification: Uncertain significance for Leukocyte adhesion deficiency 1. Last evaluated: 2022-10-24. Review status: criteria provided, single submitter. Criteria: Invitae Variant Classification Sherloc (09022015). Collection method: clinical testing. Allele origin: germline.
Comment: This sequence change replaces serine, which is neutral and polar, with arginine, which is basic and polar, at codon 387 of the ITGB2 protein (p.Ser387Arg). This variant is not present in population databases (gnomAD no frequency). This variant has not been reported in the literature in individuals affected with ITGB2-related conditions. Algorithms developed to predict the effect of missense changes on protein structure and function (SIFT, PolyPhen-2, Align-GVGD) all suggest that this variant is likely to be disruptive. Algorithms developed to predict the effect of sequence changes on RNA splicing suggest that this variant may disrupt the consensus splice site. In summary, the available evidence is currently insufficient to determine the role of this variant in disease. Therefore, it has been classified as a Variant of Uncertain Significance.

Ambry Genetics
Classification: Uncertain significance for Inborn genetic diseases. Last evaluated: 2022-07-05. Review status: criteria provided, single submitter. Criteria: Ambry Variant Classification Scheme 2023. Collection method: clinical testing. Allele origin: germline.

NM_000211.5(ITGB2):c.1159A>C (p.Ser387Arg)

Gene: ITGB2 (integrin subunit beta 2; minus strand). Cytogenetic location: 21q22.3.
Variant type: single nucleotide variant.
Coding change: c.1159A>C on transcript NM_000211.5 (MANE Select); coding-DNA position 1159, A replaced by C.
Protein change: p.Ser387Arg; replaces serine 387 with arginine.
Molecular consequence: missense variant.
Genome position (GRCh38, 1-based): chr21:44,893,469, T>G on the plus strand (A>C on the coding strand, the complement: ITGB2 is on the minus strand). VCF-style: chr21-44893469-T-G. GRCh37 (hg19) VCF-style: chr21-46313384-T-G.
Other names: c.1159A>C, p.Ser387Arg (NM_001127491.3); c.952A>C, p.Ser318Arg (NM_001303238.2); short protein forms S387R, S318R.
Identifiers: ClinVar variation 2140645 (VCV002140645.4), dbSNP rs1601290608, ClinGen allele CA410485851.
Genomic context (GRCh38, chr21:44,893,469, plus strand): 5'-CATTGATCTGCACGCCATCACAGTCACCTCTGGGCTGGTTCCTGTGCGTCACTCCATTGC[T>G]GCAGAAGGAGTCGTAGGTGACTTTCAGGGTGTCGGGGAGGGCGTTGTGATCCAGGAAGAC-3'
Protein context (NP_000202.3, residues 377-397): TLKVTYDSFC[Ser387Arg]NGVTHRNQPR